The following is an entry in ClinVar:

ClinVar aggregate classification (germline): Uncertain significance. Review status: criteria provided, multiple submitters, no conflicts (2 of 4 stars). 3 submissions from 3 submitters: Uncertain significance (3). Last evaluated 2023-12-22.

Conditions:
Schimke immuno-osseous dysplasia (SIOD). Also called: Schimke Immunoosseous Dysplasia. Identifiers: Orphanet 1830, MedGen C0877024, MONDO:0009458, OMIM 242900.

Allele frequency attached by ClinVar (database versions not stated): gnomAD 0.00001; gnomAD exomes 0.00001 and 0.00003; TOPMed 0.00001; ExAC 0.00003.
gnomAD v4.1: 12 of 1,614,138 alleles (0.00074%); highest among the groups gnomAD compares: East Asian, 0.025%; no homozygotes.

Submissions (3):

Fulgent Genetics
Classification: Uncertain significance for Schimke immuno-osseous dysplasia. Last evaluated: 2023-12-22. Review status: criteria provided, single submitter. Criteria: ACMG Guidelines, 2015. Collection method: clinical testing. Allele origin: germline.

Labcorp Genetics (formerly Invitae), Labcorp
Classification: Uncertain significance for Schimke immuno-osseous dysplasia. Last evaluated: 2022-08-23. Review status: criteria provided, single submitter. Criteria: Invitae Variant Classification Sherloc (09022015). Collection method: clinical testing. Allele origin: germline.
Comment: This sequence change replaces lysine, which is basic and polar, with arginine, which is basic and polar, at codon 169 of the SMARCAL1 protein (p.Lys169Arg). This variant is present in population databases (rs777999697, gnomAD 0.05%). This variant has not been reported in the literature in individuals affected with SMARCAL1-related conditions. ClinVar contains an entry for this variant (Variation ID: 497427). Algorithms developed to predict the effect of missense changes on protein structure and function output the following: SIFT: "Tolerated"; PolyPhen-2: "Benign"; Align-GVGD: "Class C0". The arginine amino acid residue is found in multiple mammalian species, which suggests that this missense change does not adversely affect protein function. In summary, the available evidence is currently insufficient to determine the role of this variant in disease. Therefore, it has been classified as a Variant of Uncertain Significance.

Eurofins Ntd Llc (ga)
Classification: Uncertain significance. Last evaluated: 2016-10-06. Review status: criteria provided, single submitter. Criteria: EGL Classification Definitions 2015. Collection method: clinical testing. Allele origin: germline. Observed: 1 variant allele, 1 heterozygote.

NM_014140.4(SMARCAL1):c.506A>G (p.Lys169Arg)

Gene: SMARCAL1 (SNF2 related chromatin remodeling annealing helicase 1; plus strand). Cytogenetic location: 2q35.
Variant type: single nucleotide variant.
Coding change: c.506A>G on transcript NM_014140.4 (MANE Select); coding-DNA position 506, A replaced by G.
Protein change: p.Lys169Arg; replaces lysine 169 with arginine.
Molecular consequence: missense variant.
Genome position (GRCh38, 1-based): chr2:216,415,210, A>G. VCF-style: chr2-216415210-A-G. GRCh37 (hg19) VCF-style: chr2-217279933-A-G.
Other names: c.506A>G, p.Lys169Arg (NM_001127207.2); short protein forms K169R.
Identifiers: ClinVar variation 497427 (VCV000497427.10), dbSNP rs777999697, ClinGen allele CA2097601.
Genomic context (GRCh38, chr2:216,415,210, plus strand): 5'-AGGCTTCACCTGAGATCAGGTTCACACCCTTTGCTAACCCAACTCATAAGCCTCTGGCCA[A>G]ACCAAAGAGTTCCCAAGAGACACCAGCTCATTCCTCTGGACAGCCTCCCAGGGATGCTAA-3'
Protein context (NP_054859.2, residues 159-179): FANPTHKPLA[Lys169Arg]PKSSQETPAH